The following is an entry in ClinVar:

ClinVar aggregate classification (germline): Uncertain significance (0 of 4 stars; one submission).

Conditions:
MEF2C-related disorder. Also called: MEF2C-related condition; MEF2C-related disorders. Identifiers: MedGen CN381096.

gnomAD v4.1: 1 of 1,610,918 alleles (0.000062%); highest among the groups gnomAD compares: Non-Finnish European, 0.000085%; no homozygotes.

Submission:

PreventionGenetics, part of Exact Sciences
Classification: Uncertain significance for MEF2C-related condition. Last evaluated: 2024-08-10. Review status: no assertion criteria provided. Collection method: clinical testing. Allele origin: germline.
Comment: The MEF2C c.413T>A variant is predicted to result in the amino acid substitution p.Ile138Asn. To our knowledge, this variant has not been reported in the literature or in a large population database, indicating this variant is rare. At this time, the clinical significance of this variant is uncertain due to the absence of conclusive functional and genetic evidence.

NM_002397.5(MEF2C):c.402+154T>A

Gene: MEF2C (myocyte enhancer factor 2C; minus strand). Cytogenetic location: 5q14.3.
Variant type: single nucleotide variant.
Coding change: c.402+154T>A on transcript NM_002397.5 (MANE Select); 154 bases into the intron after coding-DNA position 402, T replaced by A.
Molecular consequence: intron variant. On other transcripts: missense variant (5).
Genome position (GRCh38, 1-based): chr5:88,761,031, A>T on the plus strand (T>A on the coding strand, the complement: MEF2C is on the minus strand). VCF-style: chr5-88761031-A-T. GRCh37 (hg19) VCF-style: chr5-88056848-A-T.
Other names: c.353T>A, p.Ile118Asn (NM_001131005.2, NM_001364343.2, NM_001364352.2); c.413T>A, p.Ile138Asn (NM_001193347.1, NM_001364338.2); c.402+154T>A (NM_001364329.2, NM_001364330.2, NM_001364333.2 and 18 more transcripts); c.259-8988T>A (NM_001364344.2, NM_001364354.2, NM_001364332.2 and 3 more transcripts); c.24+154T>A (NM_001364353.2, NM_001364356.2); c.-24-8988T>A (NM_001364357.2); short protein forms I118N, I138N.
Identifiers: ClinVar variation 3358692 (VCV003358692.1).